The following is an entry in ClinVar:

ClinVar aggregate classification (germline): Uncertain significance (1 of 4 stars; one submission).

Conditions:
ALG12-congenital disorder of glycosylation (CDG1G). Also called: CDG Ig; ALG12-CDG; Congenital disorder of glycosylation, type Ig. Identifiers: Orphanet 79324, MedGen C2931001, MONDO:0011783, OMIM 607143.

Submission:

Labcorp Genetics (formerly Invitae), Labcorp
Classification: Uncertain significance for ALG12-congenital disorder of glycosylation. Last evaluated: 2022-09-01. Review status: criteria provided, single submitter. Criteria: Invitae Variant Classification Sherloc (09022015). Collection method: clinical testing. Allele origin: germline.
Comment: This sequence change replaces histidine, which is basic and polar, with arginine, which is basic and polar, at codon 289 of the ALG12 protein (p.His289Arg). This variant is not present in population databases (gnomAD no frequency). This variant has not been reported in the literature in individuals affected with ALG12-related conditions. Algorithms developed to predict the effect of missense changes on protein structure and function output the following: SIFT: "Tolerated"; PolyPhen-2: "Benign"; Align-GVGD: "Class C0". The arginine amino acid residue is found in multiple mammalian species, which suggests that this missense change does not adversely affect protein function. In summary, the available evidence is currently insufficient to determine the role of this variant in disease. Therefore, it has been classified as a Variant of Uncertain Significance.

NM_024105.4(ALG12):c.866A>G (p.His289Arg)

Gene: ALG12 (ALG12 alpha-1,6-mannosyltransferase; minus strand). Cytogenetic location: 22q13.33.
Variant type: single nucleotide variant.
Coding change: c.866A>G on transcript NM_024105.4 (MANE Select); coding-DNA position 866, A replaced by G.
Protein change: p.His289Arg; replaces histidine 289 with arginine.
Molecular consequence: missense variant.
Genome position (GRCh38, 1-based): chr22:49,907,847, T>C on the plus strand (A>G on the coding strand, the complement: ALG12 is on the minus strand). VCF-style: chr22-49907847-T-C. GRCh37 (hg19) VCF-style: chr22-50301495-T-C.
Other names: short protein forms H289R.
Identifiers: ClinVar variation 2120710 (VCV002120710.1), dbSNP rs2519263330, ClinGen allele CA412073734.